The following is an entry in ClinVar:

NM_025114.4(CEP290):c.3650C>T (p.Ala1217Val)

Gene: CEP290 (centrosomal protein 290; minus strand). Cytogenetic location: 12q21.32.
Variant type: single nucleotide variant.
Coding change: c.3650C>T on transcript NM_025114.4 (MANE Select); coding-DNA position 3650, C replaced by T.
Protein change: p.Ala1217Val; replaces alanine 1217 with valine.
Molecular consequence: missense variant.
Genome position (GRCh38, 1-based): chr12:88,089,411, G>A on the plus strand (C>T on the coding strand, the complement: CEP290 is on the minus strand). VCF-style: chr12-88089411-G-A. GRCh37 (hg19) VCF-style: chr12-88483188-G-A.
Other names: short protein forms A1217V.
Identifiers: ClinVar variation 2173994 (VCV002173994.2), dbSNP rs2500117525, ClinGen allele CA386001007.

ClinVar aggregate classification (germline): Uncertain significance (1 of 4 stars; one submission).

Conditions:
Joubert syndrome. Also called: CEREBELLOPARENCHYMAL DISORDER IV; JOUBERT-BOLTSHAUSER SYNDROME; Familial aplasia of the vermis. Identifiers: Orphanet 475, MedGen C5979921, MONDO:0018772.
Nephronophthisis. Also called: Juvenile Nephronophthisis. Identifiers: Orphanet 655, MedGen C0687120, MONDO:0019005, HP:0000090.
Meckel-Gruber syndrome. Also called: DYSENCEPHALIA SPLANCHNOCYSTICA; GRUBER SYNDROME; Dysencephalia splachnocystica. Identifiers: Orphanet 564, MedGen C0265215, MONDO:0018921.

Submission:

Labcorp Genetics (formerly Invitae), Labcorp
Classification: Uncertain significance for Joubert syndrome; Meckel-Gruber syndrome; Nephronophthisis. Last evaluated: 2022-10-17. Review status: criteria provided, single submitter. Criteria: Invitae Variant Classification Sherloc (09022015). Collection method: clinical testing. Allele origin: germline.
Comment: In summary, the available evidence is currently insufficient to determine the role of this variant in disease. Therefore, it has been classified as a Variant of Uncertain Significance. Advanced modeling of protein sequence and biophysical properties (such as structural, functional, and spatial information, amino acid conservation, physicochemical variation, residue mobility, and thermodynamic stability) performed at Invitae indicates that this missense variant is expected to disrupt CEP290 protein function. This variant has not been reported in the literature in individuals affected with CEP290-related conditions. This variant is not present in population databases (gnomAD no frequency). This sequence change replaces alanine, which is neutral and non-polar, with valine, which is neutral and non-polar, at codon 1217 of the CEP290 protein (p.Ala1217Val).